The following is an entry in ClinVar:

ClinVar aggregate classification (germline): Uncertain significance. Review status: criteria provided, multiple submitters, no conflicts (2 of 4 stars). 2 submissions from 2 submitters: Uncertain significance (2). Last evaluated 2025-08-15.

Conditions:
Hypercholanemia, familial 1 (FHCA1). Identifiers: Orphanet 238475, MedGen C5542604, MONDO:0031446, OMIM 607748.

Allele frequency attached by ClinVar (database versions not stated): gnomAD exomes below 0.00001.
gnomAD v4.1: 2 of 1,603,480 alleles (0.00012%); highest among the groups gnomAD compares: East Asian, 0.0045%; no homozygotes.

Submissions (2):

Labcorp Genetics (formerly Invitae), Labcorp
Classification: Uncertain significance. Last evaluated: 2025-08-15. Review status: criteria provided, single submitter. Criteria: Invitae Variant Classification Sherloc (09022015). Collection method: clinical testing. Allele origin: germline.
Comment: This sequence change replaces serine, which is neutral and polar, with isoleucine, which is neutral and non-polar, at codon 220 of the TJP2 protein (p.Ser220Ile). This variant is not present in population databases (gnomAD no frequency). This variant has not been reported in the literature in individuals affected with TJP2-related conditions. ClinVar contains an entry for this variant (Variation ID: 1030845). An algorithm developed to predict the effect of missense changes on protein structure and function (PolyPhen-2) suggests that this variant is likely to be tolerated. In summary, the available evidence is currently insufficient to determine the role of this variant in disease. Therefore, it has been classified as a Variant of Uncertain Significance.

Baylor Genetics
Classification: Uncertain significance for Hypercholanemia, familial 1. Last evaluated: 2019-11-07. Review status: criteria provided, single submitter. Criteria: ACMG Guidelines, 2015. Collection method: clinical testing. Allele origin: unknown. Affected: yes.
Comment: This variant was determined to be of uncertain significance according to ACMG Guidelines, 2015 [PMID:25741868].

NM_004817.4(TJP2):c.659G>T (p.Ser220Ile)

Gene: TJP2 (tight junction protein 2; plus strand). Cytogenetic location: 9q21.11.
Variant type: single nucleotide variant.
Coding change: c.659G>T on transcript NM_004817.4 (MANE Select); coding-DNA position 659, G replaced by T.
Protein change: p.Ser220Ile; replaces serine 220 with isoleucine.
Molecular consequence: missense variant.
Genome position (GRCh38, 1-based): chr9:69,221,203, G>T. VCF-style: chr9-69221203-G-T. GRCh37 (hg19) VCF-style: chr9-71836119-G-T.
Other names: c.590G>T, p.Ser197Ile (NM_001170414.2, NM_001369870.1, NM_001369871.1); c.671G>T, p.Ser224Ile (NM_001170415.1, NM_001369874.1, NM_001369875.1); c.752G>T, p.Ser251Ile (NM_001170416.2); c.659G>T, p.Ser220Ile (NM_001369872.1, NM_001369873.1, NM_201629.3); short protein forms S224I, S197I, S251I, S220I.
Identifiers: ClinVar variation 1030845 (VCV001030845.3), dbSNP rs752106855, ClinGen allele CA373528923.